The following is an entry in ClinVar:

NM_001999.4(FBN2):c.7660T>G (p.Phe2554Val)

Gene: FBN2 (fibrillin 2; minus strand). Cytogenetic location: 5q23.3.
Variant type: single nucleotide variant.
Coding change: c.7660T>G on transcript NM_001999.4 (MANE Select); coding-DNA position 7660, T replaced by G.
Protein change: p.Phe2554Val; replaces phenylalanine 2554 with valine.
Molecular consequence: missense variant.
Genome position (GRCh38, 1-based): chr5:128,274,618, A>C on the plus strand (T>G on the coding strand, the complement: FBN2 is on the minus strand). VCF-style: chr5-128274618-A-C. GRCh37 (hg19) VCF-style: chr5-127610310-A-C.
Other names: short protein forms F2554V.
Identifiers: ClinVar variation 698091 (VCV000698091.16), dbSNP rs775848753, ClinGen allele CA3394052.

ClinVar aggregate classification (germline): Conflicting classifications of pathogenicity. Review status: criteria provided, conflicting classifications (1 of 4 stars). 5 submissions from 5 submitters: Uncertain significance (3); Likely benign (1). 1 of the submissions does not count toward it. Last evaluated 2025-08-04.

Conditions:
FBN2-related disorder. Also called: FBN2-related condition.
Familial thoracic aortic aneurysm and aortic dissection (TAAD). Also called: Thoracic aortic aneurysms and dissections. Identifiers: Orphanet 91387, MedGen C4707243, MONDO:0019625.
Congenital contractural arachnodactyly (CCA). Also called: BEALS SYNDROME; Arthrogryposis, distal, type 9; Beals-Hecht syndrome. Identifiers: Orphanet 115, MedGen C0220668, MONDO:0007363, OMIM 121050.

Allele frequency attached by ClinVar (database versions not stated): gnomAD 0.00002; gnomAD exomes 0.00003 and 0.00010; TOPMed 0.00007; ExAC 0.00009.
gnomAD v4.1: 42 of 1,612,884 alleles (0.0026%); highest among the groups gnomAD compares: Admixed American, 0.045%; no homozygotes.

Submissions (5):

GeneDx
Classification: Uncertain significance. Last evaluated: 2025-08-04. Review status: criteria provided, single submitter. Criteria: GeneDx Variant Classification Process June 2021. Collection method: clinical testing. Allele origin: germline. Affected: yes.
Comment: Identified in a patient with Beals-Hecht syndrome who also harbored a variant in TTN (PMID: 37688493); Although located in a calcium-binding EGF-like domain of the FBN2 gene, it does not substitute or introduce a cysteine residue (PMID: 19006240, 18767143); In silico analysis supports that this missense variant has a deleterious effect on protein structure/function; This variant is associated with the following publications: (PMID: 19006240, 18767143, 37688493)

Labcorp Genetics (formerly Invitae), Labcorp
Classification: Likely benign for Congenital contractural arachnodactyly. Last evaluated: 2025-07-14. Review status: criteria provided, single submitter. Criteria: Invitae Variant Classification Sherloc (09022015). Collection method: clinical testing. Allele origin: germline.

ARUP Laboratories, Molecular Genetics and Genomics, ARUP Laboratories
Classification: Uncertain significance. Last evaluated: 2024-11-04. Review status: criteria provided, single submitter. Criteria: ARUP Molecular Germline Variant Investigation Process 2024. Collection method: clinical testing. Allele origin: germline.
Comment: The FBN2 c.7660T>G; p.Phe2554Val variant (rs775848753), to our knowledge, is not reported in the medical literature but is reported in ClinVar (Variation ID: 698091). This variant is found in the general population with an overall allele frequency of 0.0096% (27/282506 alleles) in the Genome Aggregation Database (v2.1.1). Computational analyses predict that this variant is deleterious (REVEL: 0.930). Due to limited information, the clinical significance of this variant is uncertain at this time.

Ambry Genetics
Classification: Uncertain significance for Familial thoracic aortic aneurysm and aortic dissection. Last evaluated: 2023-01-25. Review status: criteria provided, single submitter. Criteria: Ambry Variant Classification Scheme 2023. Collection method: clinical testing. Allele origin: germline.
Comment: The p.F2554V variant (also known as c.7660T>G), located in coding exon 60 of the FBN2 gene, results from a T to G substitution at nucleotide position 7660. The phenylalanine at codon 2554 is replaced by valine, an amino acid with highly similar properties. This amino acid position is highly conserved in available vertebrate species. In addition, this alteration is predicted to be deleterious by in silico analysis. Since supporting evidence is limited at this time, the clinical significance of this alteration remains unclear.

PreventionGenetics, part of Exact Sciences
Classification: Likely benign for FBN2-related condition. Last evaluated: 2022-08-24. Review status: no assertion criteria provided. Collection method: clinical testing. Allele origin: germline. Not counted in ClinVar's aggregate classification.
Comment: This variant is classified as likely benign based on ACMG/AMP sequence variant interpretation guidelines (Richards et al. 2015 PMID: 25741868, with internal and published modifications).